The following is an entry in ClinVar:

NM_000245.4(MET):c.4096C>A (p.Pro1366Thr)

Gene: MET (MET proto-oncogene, receptor tyrosine kinase; plus strand). Cytogenetic location: 7q31.2.
Variant type: single nucleotide variant.
Coding change: c.4096C>A on transcript NM_000245.4 (MANE Select); coding-DNA position 4096, C replaced by A.
Protein change: p.Pro1366Thr; replaces proline 1366 with threonine.
Molecular consequence: missense variant.
Genome position (GRCh38, 1-based): chr7:116,796,047, C>A. VCF-style: chr7-116796047-C-A. GRCh37 (hg19) VCF-style: chr7-116436101-C-A.
Other names: c.4150C>A, p.Pro1384Thr (NM_001127500.3); c.2806C>A, p.Pro936Thr (NM_001324402.2); short protein forms P1366T, P1384T, P936T.
Identifiers: ClinVar variation 1021168 (VCV001021168.6), dbSNP rs1795662723, ClinGen allele CA369118387.
Genomic context (GRCh38, chr7:116,796,047, plus strand): 5'-GGGGAGCACTATGTCCATGTGAACGCTACTTATGTGAACGTAAAATGTGTCGCTCCGTAT[C>A]CTTCTCTGTTGTCATCAGAAGATAACGCTGATGATGAGGTGGACACACGACCAGCCTCCT-3'
Protein context (NP_000236.2, residues 1356-1376): YVNVKCVAPY[Pro1366Thr]SLLSSEDNAD

ClinVar aggregate classification (germline): Uncertain significance (1 of 4 stars; one submission).

Conditions:
Renal cell carcinoma (RCCP1). Identifiers: Orphanet 217071, MedGen C0007134, MeSH D002292, MONDO:0005086, HP:0005584.

Submission:

Labcorp Genetics (formerly Invitae), Labcorp
Classification: Uncertain significance for Renal cell carcinoma. Last evaluated: 2021-08-27. Review status: criteria provided, single submitter. Criteria: Invitae Variant Classification Sherloc (09022015). Collection method: clinical testing. Allele origin: germline.
Comment: This sequence change replaces proline with threonine at codon 1384 of the MET protein (p.Pro1384Thr). The proline residue is highly conserved and there is a small physicochemical difference between proline and threonine. This variant is not present in population databases (ExAC no frequency). This variant has not been reported in the literature in individuals affected with MET-related conditions. Algorithms developed to predict the effect of missense changes on protein structure and function (SIFT, PolyPhen-2, Align-GVGD) all suggest that this variant is likely to be disruptive. In summary, the available evidence is currently insufficient to determine the role of this variant in disease. Therefore, it has been classified as a Variant of Uncertain Significance.